The following is an entry in ClinVar:

ClinVar aggregate classification (germline): Likely pathogenic (1 of 4 stars; one submission).

Conditions:
Holoprosencephaly 5 (HPE5). Identifiers: Orphanet 2162, MedGen C1864827, MONDO:0012322, OMIM 609637.

Submission:

Labcorp Genetics (formerly Invitae), Labcorp
Classification: Likely pathogenic for Holoprosencephaly 5. Last evaluated: 2019-08-15. Review status: criteria provided, single submitter. Criteria: Invitae Variant Classification Sherloc (09022015). Collection method: clinical testing. Allele origin: germline.
Comment: This variant, c.1200_1205del, is a complex sequence change that results in the deletion of 3 amino acids and the insertion of 1 amino acid in the ZIC2 protein (p.Lys400_Tyr402delinsAsn). This variant is not present in population databases (ExAC no frequency). This variant has been observed in individual(s) with holoprosencephaly (Invitae). In at least one individual the variant was observed to be de novo. In summary, the currently available evidence indicates that the variant is pathogenic, but additional data are needed to prove that conclusively. Therefore, this variant has been classified as Likely Pathogenic.

NM_007129.5(ZIC2):c.1200_1205del (p.Lys400_Tyr402delinsAsn)

Gene: ZIC2 (Zic family zinc finger 2; plus strand). Cytogenetic location: 13q32.3.
Variant type: Deletion.
Coding change: c.1200_1205del on transcript NM_007129.5 (MANE Select); coding-DNA positions 1200 to 1205, 6 bases deleted (GTCCTA; older notation c.1200_1205delGTCCTA).
Protein change: p.Lys400_Tyr402delinsAsn.
Molecular consequence: inframe indel.
Genome position (GRCh38, 1-based): chr13:99,985,070-99,985,075, GTCCTA deleted; deleting any 6 consecutive bases within chr13:99,985,069-99,985,075 gives the same sequence; the c. name uses the placement nearest the transcript's 3' end. VCF-style (leftmost placement, unchanged base first): chr13-99985068-AAGTCCT-A. GRCh37 (hg19) VCF-style: chr13-100637322-AAGTCCT-A.
Identifiers: ClinVar variation 856788 (VCV000856788.9), dbSNP rs2053256914, ClinGen allele CA916083360.